The following is an entry in ClinVar:

ClinVar aggregate classification (germline): Uncertain significance. Review status: criteria provided, multiple submitters, no conflicts (2 of 4 stars). 4 submissions from 4 submitters: Uncertain significance (2). 2 of the submissions do not count toward it. Last evaluated 2021-08-31.

Conditions:
Inborn genetic diseases. Identifiers: MedGen C0950123, MeSH D030342.
Autosomal dominant polycystic liver disease. Also called: Congenital cystic disease of liver; Polycystic liver disease. Identifiers: Orphanet 2924, MedGen C0158683, MONDO:0000447, HP:0006557.
Autosomal recessive polycystic kidney disease (ARPKD). Also called: AR polycystic kidney disease. Identifiers: Orphanet 731, Orphanet 8378, MedGen C0085548, MeSH D017044, MONDO:0009889.

Allele frequency attached by ClinVar (database versions not stated): ExAC 0.00001; gnomAD 0.00001.
gnomAD v4.1: 35 of 1,614,010 alleles (0.0022%); highest among the groups gnomAD compares: Non-Finnish European, 0.0028%; no homozygotes.

Submissions (4):

Labcorp Genetics (formerly Invitae), Labcorp
Classification: Uncertain significance for Autosomal recessive polycystic kidney disease. Last evaluated: 2021-08-31. Review status: criteria provided, single submitter. Criteria: Invitae Variant Classification Sherloc (09022015). Collection method: clinical testing. Allele origin: germline.
Comment: This sequence change replaces threonine with lysine at codon 1243 of the PKHD1 protein (p.Thr1243Lys). The threonine residue is moderately conserved and there is a moderate physicochemical difference between threonine and lysine. This variant is present in population databases (rs774865280, ExAC 0.002%). This variant has not been reported in the literature in individuals affected with PKHD1-related conditions. Algorithms developed to predict the effect of missense changes on protein structure and function are either unavailable or do not agree on the potential impact of this missense change (SIFT: "Deleterious"; PolyPhen-2: "Benign"; Align-GVGD: "Class C0"). Algorithms developed to predict the effect of sequence changes on RNA splicing suggest that this variant may create or strengthen a splice site. In summary, the available evidence is currently insufficient to determine the role of this variant in disease. Therefore, it has been classified as a Variant of Uncertain Significance.

Ambry Genetics
Classification: Uncertain significance for Inborn genetic diseases. Last evaluated: 2021-07-20. Review status: criteria provided, single submitter. Criteria: Ambry Variant Classification Scheme 2023. Collection method: clinical testing. Allele origin: germline.

Laboratory of Gastroenterology and Hepatology, Radboud University Medical Center
Classification: Uncertain significance for Autosomal dominant polycystic liver disease. Last evaluated: 2021-09-01. Review status: no assertion criteria provided. Collection method: research. Allele origin: germline. Affected: yes. Not counted in ClinVar's aggregate classification.

Natera, Inc.
Classification: Uncertain significance for Autosomal recessive polycystic kidney disease. Last evaluated: 2019-07-05. Review status: no assertion criteria provided. Collection method: clinical testing. Allele origin: germline. Not counted in ClinVar's aggregate classification.

NM_138694.4(PKHD1):c.3728C>A (p.Thr1243Lys)

Gene: PKHD1 (PKHD1 ciliary IPT domain containing fibrocystin/polyductin; minus strand). Cytogenetic location: 6p12.2.
Variant type: single nucleotide variant.
Coding change: c.3728C>A on transcript NM_138694.4 (MANE Select); coding-DNA position 3728, C replaced by A.
Protein change: p.Thr1243Lys; replaces threonine 1243 with lysine.
Molecular consequence: missense variant.
Genome position (GRCh38, 1-based): chr6:52,026,082, G>T on the plus strand (C>A on the coding strand, the complement: PKHD1 is on the minus strand). VCF-style: chr6-52026082-G-T. GRCh37 (hg19) VCF-style: chr6-51890880-G-T.
Other names: c.3728C>A, p.Thr1243Lys (NM_170724.3); c.3728C>A (NM_138694.3); short protein forms T1243K.
Identifiers: ClinVar variation 1052486 (VCV001052486.34), dbSNP rs774865280, ClinGen allele CA3852855.